The following is an entry in ClinVar:

NM_006231.4(POLE):c.1518G>A (p.Met506Ile)

Gene: POLE (DNA polymerase epsilon, catalytic subunit; minus strand). Cytogenetic location: 12q24.33.
Variant type: single nucleotide variant.
Coding change: c.1518G>A on transcript NM_006231.4 (MANE Select); coding-DNA position 1518, G replaced by A.
Protein change: p.Met506Ile; replaces methionine 506 with isoleucine.
Molecular consequence: missense variant.
Genome position (GRCh38, 1-based): chr12:132,672,795, C>T on the plus strand (G>A on the coding strand, the complement: POLE is on the minus strand). VCF-style: chr12-132672795-C-T. GRCh37 (hg19) VCF-style: chr12-133249381-C-T.
Other names: short protein forms M506I.
Identifiers: ClinVar variation 4141085 (VCV004141085.1).

ClinVar aggregate classification (germline): Uncertain significance (1 of 4 stars; one submission).

Conditions:
Hereditary cancer-predisposing syndrome. Also called: Hereditary neoplastic syndrome; Neoplastic Syndromes, Hereditary; Tumor predisposition; Hereditary Cancer Syndrome. Identifiers: Orphanet 140162, MedGen C0027672, MeSH D009386, MONDO:0015356.

Submission:

Ambry Genetics
Classification: Uncertain significance for Hereditary cancer-predisposing syndrome. Last evaluated: 2025-08-20. Review status: criteria provided, single submitter. Criteria: Ambry Variant Classification Scheme 2023. Collection method: clinical testing. Allele origin: germline.
Comment: The p.M506I variant (also known as c.1518G>A), located in coding exon 15 of the POLE gene, results from a G to A substitution at nucleotide position 1518. The methionine at codon 506 is replaced by isoleucine, an amino acid with highly similar properties. This amino acid position is conserved. In addition, this alteration is predicted to be deleterious by in silico analysis. Based on the available evidence, the clinical significance of this variant remains unclear.